The following is an entry in ClinVar:

NM_001009944.3(PKD1):c.12634C>G (p.Pro4212Ala)

Gene: PKD1 (polycystin 1, transient receptor potential channel interacting; minus strand). Cytogenetic location: 16p13.3.
Variant type: single nucleotide variant.
Coding change: c.12634C>G on transcript NM_001009944.3 (MANE Select); coding-DNA position 12634, C replaced by G.
Protein change: p.Pro4212Ala; replaces proline 4212 with alanine.
Molecular consequence: missense variant.
Genome position (GRCh38, 1-based): chr16:2,090,005, G>C on the plus strand (C>G on the coding strand, the complement: PKD1 is on the minus strand). VCF-style: chr16-2090005-G-C. GRCh37 (hg19) VCF-style: chr16-2140006-G-C.
Other names: c.12631C>G, p.Pro4211Ala (NM_000296.4); short protein forms P4211A, P4212A.
Identifiers: ClinVar variation 4980945 (VCV004980945.1).

ClinVar aggregate classification (germline): Uncertain significance (1 of 4 stars; one submission).

Conditions:
PKD1-related disorder. Also called: PKD1-related condition.

gnomAD v4.1: 12 of 1,609,954 alleles (0.00075%); highest among the groups gnomAD compares: African/African-American, 0.0013%; no homozygotes.

Submission:

PreventionGenetics, part of Exact Sciences
Classification: Uncertain significance for PKD1-related condition. Last evaluated: 2026-06-03. Review status: criteria provided, single submitter. Criteria: ACMG Guidelines, 2015. Collection method: clinical testing. Allele origin: germline.
Comment: The PKD1 c.12634C>G variant is predicted to result in the amino acid substitution p.Pro4212Ala. To our knowledge, this variant has not been reported in the literature. This variant is reported in 0.0038% of alleles in individuals of European (Non-Finnish) descent in gnomAD. At this time, the clinical significance of this variant is uncertain due to the absence of conclusive functional and genetic evidence.